The following is an entry in ClinVar:

NM_006766.5(KAT6A):c.5311T>C (p.Tyr1771His)

Gene: KAT6A (lysine acetyltransferase 6A; minus strand). Cytogenetic location: 8p11.21.
Variant type: single nucleotide variant.
Coding change: c.5311T>C on transcript NM_006766.5 (MANE Select); coding-DNA position 5311, T replaced by C.
Protein change: p.Tyr1771His; replaces tyrosine 1771 with histidine.
Molecular consequence: missense variant.
Genome position (GRCh38, 1-based): chr8:41,932,909, A>G on the plus strand (T>C on the coding strand, the complement: KAT6A is on the minus strand). VCF-style: chr8-41932909-A-G. GRCh37 (hg19) VCF-style: chr8-41790427-A-G.
Other names: short protein forms Y1771H.
Identifiers: ClinVar variation 3364026 (VCV003364026.1).

ClinVar aggregate classification (germline): Uncertain significance (1 of 4 stars; one submission).

gnomAD v4.1: 1 of 1,614,132 alleles (0.000062%); highest among the groups gnomAD compares: Non-Finnish European, 0.000085%; no homozygotes.

Submission:

GeneDx
Classification: Uncertain significance. Last evaluated: 2023-11-10. Review status: criteria provided, single submitter. Criteria: GeneDx Variant Classification Process June 2021. Collection method: clinical testing. Allele origin: germline. Affected: yes.
Comment: Not observed at significant frequency in large population cohorts (gnomAD); In silico analysis supports that this missense variant has a deleterious effect on protein structure/function; Has not been previously published as pathogenic or benign to our knowledge